The following is an entry in ClinVar:

NM_000540.3(RYR1):c.12203A>G (p.Lys4068Arg)

Gene: RYR1 (ryanodine receptor 1; plus strand). Cytogenetic location: 19q13.2.
Variant type: single nucleotide variant.
Coding change: c.12203A>G on transcript NM_000540.3 (MANE Select); coding-DNA position 12203, A replaced by G.
Protein change: p.Lys4068Arg; replaces lysine 4068 with arginine.
Molecular consequence: missense variant.
Genome position (GRCh38, 1-based): chr19:38,548,341, A>G. VCF-style: chr19-38548341-A-G. GRCh37 (hg19) VCF-style: chr19-39038981-A-G.
Other names: c.12188A>G, p.Lys4063Arg (NM_001042723.2); short protein forms K4068R, K4063R.
Identifiers: ClinVar variation 419904 (VCV000419904.20), dbSNP rs114009747, ClinGen allele CA058440.

ClinVar aggregate classification (germline): Conflicting classifications of pathogenicity. Review status: criteria provided, conflicting classifications (1 of 4 stars). 6 submissions from 6 submitters: Uncertain significance (2); Likely benign (3). 1 of the submissions does not count toward it. Last evaluated 2026-09-30.

Conditions:
Inborn genetic diseases. Identifiers: MedGen C0950123, MeSH D030342.
Malignant hyperthermia, susceptibility to, 1 (MHS1). Also called: RYR1-Related Malignant Hyperthermia Susceptibility; Malignant hyperthermia suceptibility 1; Anesthesia related hyperthermia; Malignant hyperpyrexia; Fulminating hyperpyrexia; Pharmacogenic myopathy. Identifiers: Orphanet 423, MedGen C2930980, MONDO:0007783, OMIM 145600.
RYR1-related disorder. Also called: RYR1-related disorders; RYR1-related condition. Identifiers: MedGen CN239331.

Allele frequency attached by ClinVar (database versions not stated): ExAC 0.00016; gnomAD 0.00043 and 0.00044; 1000 Genomes Project 0.00100; TOPMed 0.00046; gnomAD exomes 0.00006 and 0.00010; ESP Exome Variant Server 0.00062; 1000 Genomes Project 30x 0.00141.
gnomAD v4.1: 148 of 1,614,190 alleles (0.0092%); highest among the groups gnomAD compares: African/African-American, 0.19%; no homozygotes.

Submissions (6):

GeneDx
Classification: Uncertain significance. Last evaluated: 2026-09-30. Review status: criteria provided, single submitter. Criteria: GeneDx Variant Classification Process June 2021. Collection method: clinical testing. Allele origin: germline.
Comment: In silico analysis suggests that this missense variant does not alter protein structure/function; Has not been previously published as pathogenic or benign to our knowledge

Labcorp Genetics (formerly Invitae), Labcorp
Classification: Likely benign for RYR1-related disorder. Last evaluated: 2025-12-17. Review status: criteria provided, single submitter. Criteria: Invitae Variant Classification Sherloc (09022015). Collection method: clinical testing. Allele origin: germline.

Ambry Genetics
Classification: Likely benign for Inborn genetic diseases. Last evaluated: 2023-05-15. Review status: criteria provided, single submitter. Criteria: Ambry Variant Classification Scheme 2023. Collection method: clinical testing. Allele origin: germline.

Color Diagnostics, LLC DBA Color Health
Classification: Likely benign for Malignant hyperthermia, susceptibility to, 1. Last evaluated: 2023-05-11. Review status: criteria provided, single submitter. Criteria: ACMG Guidelines, 2015. Collection method: clinical testing. Allele origin: germline.

Revvity Omics, Revvity
Classification: Uncertain significance. Last evaluated: 2023-01-03. Review status: criteria provided, single submitter. Criteria: ACMG Guidelines, 2015. Collection method: clinical testing. Allele origin: germline.

PreventionGenetics, part of Exact Sciences
Classification: Uncertain significance for RYR1-related condition. Last evaluated: 2024-04-24. Review status: no assertion criteria provided. Collection method: clinical testing. Allele origin: germline. Not counted in ClinVar's aggregate classification.
Comment: The RYR1 c.12203A>G variant is predicted to result in the amino acid substitution p.Lys4068Arg. To our knowledge, this variant has not been reported in the literature. This variant is reported in 0.15% of alleles in individuals of African descent in gnomAD. Although we suspect that this variant may be benign, at this time, the clinical significance of this variant is uncertain due to the absence of conclusive functional and genetic evidence.